The following is an entry in ClinVar:

ClinVar aggregate classification (germline): Pathogenic (1 of 4 stars; one submission).

Conditions:
Polyglandular autoimmune syndrome, type 1 (APS1). Also called: Whitaker syndrome; Autoimmune polyendocrinopathy syndrome, type I; AUTOIMMUNE POLYENDOCRINE SYNDROME, TYPE I, WITH OR WITHOUT REVERSIBLE METAPHYSEAL DYSPLASIA; APS I; HYPOADRENOCORTICISM WITH HYPOPARATHYROIDISM AND SUPERFICIAL MONILIASIS; PGA I. Identifiers: Orphanet 3453, MedGen C0085859, MONDO:0009411, OMIM 240300.

Submission:

Myriad Genetics, Inc.
Classification: Pathogenic for Polyglandular autoimmune syndrome, type 1. Last evaluated: 2024-08-25. Review status: criteria provided, single submitter. Criteria: Myriad Autosomal Dominant, Autosomal Recessive and X-Linked Classification Criteria (2023). Collection method: clinical testing. Allele origin: unknown.
Comment: NM_000383.3(AIRE):c.868dupC(Q290Pfs*7) is expected to be pathogenic in the context of autoimmune polyglandular syndrome type 1. This variant is predicted to lead to an abnormal or absent protein product due to the creation of a premature termination codon in AIRE, a gene where loss-of-function variants are known to be pathogenic. Please note: this variant was assessed in the context of healthy population screening.

NM_000383.4(AIRE):c.868dup (p.Gln290fs)

Gene: AIRE (autoimmune regulator; plus strand). Cytogenetic location: 21q22.3.
Variant type: Duplication.
Coding change: c.868dup on transcript NM_000383.4 (MANE Select); coding-DNA position 868, one base duplicated (C; older notation c.868dupC).
Protein change: p.Gln290fs; shifts the reading frame from glutamine 290.
Molecular consequence: frameshift variant.
Genome position (GRCh38, 1-based): chr21:44,290,057, C duplicated; the last of 5 consecutive C bases (chr21:44,290,053-44,290,057); duplicating any one gives the same sequence. VCF-style (leftmost placement, unchanged base first): chr21-44290052-A-AC. GRCh37 (hg19) VCF-style: chr21-45709935-A-AC.
Other names: short protein forms Q290fs.
Identifiers: ClinVar variation 5013492 (VCV005013492.1).